The following is an entry in ClinVar:

ClinVar aggregate classification (germline): Pathogenic. Review status: criteria provided, single submitter (1 of 4 stars). 2 submissions from 2 submitters: Pathogenic (1). 1 of the submissions does not count toward it. Last evaluated 2018-07-05.

Conditions:
AHDC1-related intellectual disability - obstructive sleep apnea - mild dysmorphism syndrome. Also called: Xia-Gibbs syndrome. Identifiers: Orphanet 412069, MedGen C4014419, MONDO:0014358, OMIM 615829.

Submissions (2):

GeneDx
Classification: Pathogenic. Last evaluated: 2018-07-05. Review status: criteria provided, single submitter. Criteria: GeneDx Variant Classification (06012015). Collection method: clinical testing. Allele origin: germline. Affected: yes.
Comment: The Q1156X variant in the AHDC1 gene has not been reported previously as a pathogenic variant nor as a benign variant, to our knowledge. This variant is predicted to cause loss of normal protein function through protein truncation. The Q1156X variant is not observed in large population cohorts (Lek et al., 2016). We interpret Q1156X as a pathogenic variant.

Human Genome Sequencing Center Clinical Lab, Baylor College of Medicine
Classification: Pathogenic for AHDC1-related intellectual disability - obstructive sleep apnea - mild dysmorphism syndrome. Review status: no assertion criteria provided. Collection method: clinical testing. Allele origin: de novo. Affected: yes. Not counted in ClinVar's aggregate classification.

NM_001371928.1(AHDC1):c.3466C>T (p.Gln1156Ter)

Gene: AHDC1 (AT-hook DNA binding motif containing 1; minus strand). Cytogenetic location: 1p36.11.
Variant type: single nucleotide variant.
Coding change: c.3466C>T on transcript NM_001371928.1 (MANE Select); coding-DNA position 3466, C replaced by T.
Protein change: p.Gln1156Ter; replaces glutamine 1156 with a stop codon.
Molecular consequence: nonsense.
Genome position (GRCh38, 1-based): chr1:27,548,650, G>A on the plus strand (C>T on the coding strand, the complement: AHDC1 is on the minus strand). VCF-style: chr1-27548650-G-A. GRCh37 (hg19) VCF-style: chr1-27875161-G-A.
Other names: c.3466C>T, p.Gln1156Ter (NM_001029882.3); short protein forms Q1156*.
Identifiers: ClinVar variation 620243 (VCV000620243.3), dbSNP rs1557658942, ClinGen allele CA339226430.